The following is an entry in ClinVar:

ClinVar aggregate classification (germline): Uncertain significance (1 of 4 stars; one submission).

Submission:

GeneDx
Classification: Uncertain significance. Last evaluated: 2026-01-23. Review status: criteria provided, single submitter. Criteria: GeneDx Variant Classification Process June 2021. Collection method: clinical testing. Allele origin: germline.
Comment: Not observed at significant frequency in large population cohorts (gnomAD); In silico analysis supports that this missense variant has a deleterious effect on protein structure/function; Has not been previously published as pathogenic or benign to our knowledge

NM_024854.5(PYROXD1):c.1472C>T (p.Pro491Leu)

Gene: PYROXD1 (pyridine nucleotide-disulphide oxidoreductase domain 1; plus strand). Cytogenetic location: 12p12.1.
Variant type: single nucleotide variant.
Coding change: c.1472C>T on transcript NM_024854.5 (MANE Select); coding-DNA position 1472, C replaced by T.
Protein change: p.Pro491Leu; replaces proline 491 with leucine.
Molecular consequence: missense variant.
Genome position (GRCh38, 1-based): chr12:21,468,723, C>T. VCF-style: chr12-21468723-C-T. GRCh37 (hg19) VCF-style: chr12-21621657-C-T.
Other names: c.1259C>T, p.Pro420Leu (NM_001350912.2); c.695C>T, p.Pro232Leu (NM_001350913.2); short protein forms P232L, P420L, P491L.
Identifiers: ClinVar variation 4975380 (VCV004975380.1).